The following is an entry in ClinVar:

ClinVar aggregate classification (germline): Uncertain significance (1 of 4 stars; one submission).

Conditions:
Cardiovascular phenotype. Identifiers: MedGen CN230736.

Submission:

Ambry Genetics
Classification: Uncertain significance for Cardiovascular phenotype. Last evaluated: 2022-10-27. Review status: criteria provided, single submitter. Criteria: Ambry Variant Classification Scheme 2023. Collection method: clinical testing. Allele origin: germline.
Comment: The p.P1183S variant (also known as c.3547C>T), located in coding exon 10 of the AKAP9 gene, results from a C to T substitution at nucleotide position 3547. The proline at codon 1183 is replaced by serine, an amino acid with similar properties. This amino acid position is conserved. In addition, this alteration is predicted to be tolerated by in silico analysis. Since supporting evidence is limited at this time, the clinical significance of this alteration remains unclear.

NM_005751.5(AKAP9):c.3547C>T (p.Pro1183Ser)

Gene: AKAP9 (A-kinase anchoring protein 9; plus strand). Cytogenetic location: 7q21.2.
Variant type: single nucleotide variant.
Coding change: c.3547C>T on transcript NM_005751.5 (MANE Select); coding-DNA position 3547, C replaced by T.
Protein change: p.Pro1183Ser; replaces proline 1183 with serine.
Molecular consequence: missense variant.
Genome position (GRCh38, 1-based): chr7:92,014,263, C>T. VCF-style: chr7-92014263-C-T. GRCh37 (hg19) VCF-style: chr7-91643577-C-T.
Other names: c.3547C>T, p.Pro1183Ser (NM_147185.3); short protein forms P1183S.
Identifiers: ClinVar variation 1732530 (VCV001732530.2), dbSNP rs1801193542, ClinGen allele CA368126365.